The following is an entry in ClinVar:

ClinVar aggregate classification (germline): Likely benign. Review status: criteria provided, multiple submitters, no conflicts (2 of 4 stars). 5 submissions from 5 submitters: Likely benign (5). Last evaluated 2026-01-28.

Conditions:
Rhizomelic chondrodysplasia punctata type 2 (RCDP2). Also called: DIHYDROXYACETONEPHOSPHATE ACYLTRANSFERASE DEFICIENCY; glyceronephosphate O-acyltransferase (GNPAT) deficiency; Glyceronephosphate O-acyltransferase deficiency; DHAPAT DEFICIENCY; PEROXISOMAL DIHYDROXYACETONEPHOSPHATE ACYLTRANSFERASE DEFICIENCY; Chondrodysplasia punctata, rhizomelic, due to dihydroxyacetonephosphate acyltransferase deficiency. Identifiers: Orphanet 177, Orphanet 309796, MedGen C1857242, MONDO:0100273, OMIM 222765. Disease mechanism: loss of function.

Allele frequency attached by ClinVar (database versions not stated): 1000 Genomes Project 0.00060; ExAC 0.00078; gnomAD exomes 0.00082 and 0.00143; gnomAD 0.00110 and 0.00102; 1000 Genomes Project 30x 0.00062; TOPMed 0.00104; ESP Exome Variant Server 0.00161.
gnomAD v4.1: 2,225 of 1,614,042 alleles (0.14%); highest among the groups gnomAD compares: Non-Finnish European, 0.18%; 3 homozygotes.

Submissions (5):

Labcorp Genetics (formerly Invitae), Labcorp
Classification: Likely benign. Last evaluated: 2026-01-28. Review status: criteria provided, single submitter. Criteria: Invitae Variant Classification Sherloc (09022015). Collection method: clinical testing. Allele origin: germline.

ARUP Laboratories, Molecular Genetics and Genomics, ARUP Laboratories
Classification: Likely benign for Rhizomelic chondrodysplasia punctata type 2. Last evaluated: 2025-03-17. Review status: criteria provided, single submitter. Criteria: ARUP Molecular Germline Variant Investigation Process 2024. Collection method: clinical testing. Allele origin: germline.

Blueprint Genetics
Classification: Likely benign. Last evaluated: 2024-11-21. Review status: criteria provided, single submitter. Criteria: ACMG Guidelines, 2015. Collection method: clinical testing. Allele origin: germline.

CeGaT Center for Human Genetics Tuebingen
Classification: Likely benign. Last evaluated: 2022-06-01. Review status: criteria provided, single submitter. Criteria: CeGaT Center For Human Genetics Tuebingen Variant Classification Criteria Version 2. Collection method: clinical testing. Allele origin: germline. Affected: yes. Observed: 1 variant allele.
Comment: GNPAT: BP4, BP7

PreventionGenetics, part of Exact Sciences
Classification: Likely benign. Review status: criteria provided, single submitter. Criteria: ACMG Guidelines, 2015. Collection method: clinical testing. Allele origin: germline.

NM_014236.4(GNPAT):c.1212T>C (p.Ala404=)

Gene: GNPAT (glyceronephosphate O-acyltransferase; plus strand). Cytogenetic location: 1q42.2.
Variant type: single nucleotide variant.
Coding change: c.1212T>C on transcript NM_014236.4 (MANE Select); coding-DNA position 1212, T replaced by C.
Protein change: p.Ala404=; no amino-acid change (alanine 404 retained).
Molecular consequence: synonymous variant.
Genome position (GRCh38, 1-based): chr1:231,267,836, T>C. VCF-style: chr1-231267836-T-C. GRCh37 (hg19) VCF-style: chr1-231403582-T-C.
Other names: c.1029T>C, p.Ala343= (NM_001316350.2).
Identifiers: ClinVar variation 260360 (VCV000260360.48), dbSNP rs143205045, ClinGen allele CA1451983.